The following is an entry in ClinVar:

ClinVar aggregate classification (germline): Likely benign. Review status: criteria provided, multiple submitters, no conflicts (2 of 4 stars). 2 submissions from 2 submitters: Likely benign (2). Last evaluated 2025-03-11.

Conditions:
Pheochromocytoma/paraganglioma syndrome 5. Also called: Paragangliomas 5; SDHA-Related Hereditary Paraganglioma-Pheochromocytoma Syndrome. Identifiers: Orphanet 29072, MedGen C3279992, MONDO:0013602, OMIM 614165.
Mitochondrial complex II deficiency, nuclear type 1. Also called: SUCCINATE CoQ REDUCTASE DEFICIENCY. Identifiers: Orphanet 3208, MedGen C5700310, MONDO:0100294, OMIM 252011.

gnomAD v4.1: 1 of 1,611,032 alleles (0.000062%); no homozygotes.

Submissions (2):

Myriad Genetics, Inc.
Classification: Likely benign for Pheochromocytoma/paraganglioma syndrome 5. Last evaluated: 2025-03-11. Review status: criteria provided, single submitter. Criteria: Myriad Autosomal Dominant, Autosomal Recessive and X-Linked Classification Criteria (2023). Collection method: clinical testing. Allele origin: unknown.
Comment: This variant is considered likely benign. This variant is intronic and is not expected to impact mRNA splicing.

Labcorp Genetics (formerly Invitae), Labcorp
Classification: Likely benign for Pheochromocytoma/paraganglioma syndrome 5; Mitochondrial complex II deficiency, nuclear type 1. Last evaluated: 2024-10-23. Review status: criteria provided, single submitter. Criteria: Invitae Variant Classification Sherloc (09022015). Collection method: clinical testing. Allele origin: germline.

NM_004168.4(SDHA):c.1664-19G>A

Gene: SDHA (succinate dehydrogenase complex flavoprotein subunit A; plus strand). Cytogenetic location: 5p15.33.
Variant type: single nucleotide variant.
Coding change: c.1664-19G>A on transcript NM_004168.4 (MANE Select); 19 bases into the intron before coding-DNA position 1664, G replaced by A.
Molecular consequence: intron variant.
Genome position (GRCh38, 1-based): chr5:251,319, G>A. VCF-style: chr5-251319-G-A. GRCh37 (hg19) VCF-style: chr5-251434-G-A.
Other names: c.1552-3074G>A (NM_001330758.2); c.1520-19G>A (NM_001294332.2).
Identifiers: ClinVar variation 1624437 (VCV001624437.9), dbSNP rs2126633052, ClinGen allele CA2573139511.